The following is an entry in ClinVar:

NM_139318.5(KCNH5):c.2290T>C (p.Ser764Pro)

Gene: KCNH5 (potassium voltage-gated channel subfamily H member 5; minus strand). Cytogenetic location: 14q23.2.
Variant type: single nucleotide variant.
Coding change: c.2290T>C on transcript NM_139318.5 (MANE Select); coding-DNA position 2290, T replaced by C.
Protein change: p.Ser764Pro; replaces serine 764 with proline.
Molecular consequence: missense variant. On other transcripts: 3 prime UTR variant (1).
Genome position (GRCh38, 1-based): chr14:62,708,185, A>G on the plus strand (T>C on the coding strand, the complement: KCNH5 is on the minus strand). VCF-style: chr14-62708185-A-G. GRCh37 (hg19) VCF-style: chr14-63174903-A-G.
Other names: c.*257T>C (NM_172375.3); short protein forms S764P.
Identifiers: ClinVar variation 3715043 (VCV003715043.2).

ClinVar aggregate classification (germline): Uncertain significance (1 of 4 stars; one submission).

Conditions:
Early-infantile DEE. Also called: Ohtahara syndrome; Early infantile epileptic encephalopathy with suppression bursts; Early infantile epileptic encephalopathy. Identifiers: Orphanet 1934, MedGen C0393706, MONDO:0800491.

gnomAD v4.1: 10 of 1,614,104 alleles (0.00062%); highest among the groups gnomAD compares: Non-Finnish European, 0.00085%; no homozygotes.

Submission:

Labcorp Genetics (formerly Invitae), Labcorp
Classification: Uncertain significance for Early-infantile DEE. Last evaluated: 2025-05-12. Review status: criteria provided, single submitter. Criteria: Invitae Variant Classification Sherloc (09022015). Collection method: clinical testing. Allele origin: germline.
Comment: This sequence change replaces serine, which is neutral and polar, with proline, which is neutral and non-polar, at codon 764 of the KCNH5 protein (p.Ser764Pro). This variant is present in population databases (rs371609247, gnomAD 0.002%). This variant has not been reported in the literature in individuals affected with KCNH5-related conditions. ClinVar contains an entry for this variant (Variation ID: 3715043). Invitae Evidence Modeling of protein sequence and biophysical properties (such as structural, functional, and spatial information, amino acid conservation, physicochemical variation, residue mobility, and thermodynamic stability) indicates that this missense variant is not expected to disrupt KCNH5 protein function with a negative predictive value of 95%. In summary, the available evidence is currently insufficient to determine the role of this variant in disease. Therefore, it has been classified as a Variant of Uncertain Significance.